The following is an entry in ClinVar:

ClinVar aggregate classification (germline): Uncertain significance. Review status: criteria provided, multiple submitters, no conflicts (2 of 4 stars). 3 submissions from 3 submitters: Uncertain significance (3). Last evaluated 2025-05-21.

Conditions:
BBS10-related disorder. Also called: BBS10-related condition.
Inborn genetic diseases. Identifiers: MedGen C0950123, MeSH D030342.
Bardet-Biedl syndrome (BBS). Identifiers: Orphanet 110, MedGen C0752166, MONDO:0015229.

Allele frequency attached by ClinVar (database versions not stated): TOPMed below 0.00001; gnomAD exomes 0.00001.
gnomAD v4.1: 4 of 1,614,082 alleles (0.00025%); highest among the groups gnomAD compares: Admixed American, 0.005%; no homozygotes.

Submissions (3):

PreventionGenetics, part of Exact Sciences
Classification: Uncertain significance for BBS10-related condition. Last evaluated: 2025-05-21. Review status: criteria provided, single submitter. Criteria: ACMG Guidelines, 2015. Collection method: clinical testing. Allele origin: germline.
Comment: The BBS10 c.1525C>T variant is predicted to result in the amino acid substitution p.Pro509Ser. To our knowledge, this variant has not been reported in the literature. This variant is reported in 0.0062% of alleles in individuals of African descent in gnomAD. At this time, the clinical significance of this variant is uncertain due to the absence of conclusive functional and genetic evidence.

Labcorp Genetics (formerly Invitae), Labcorp
Classification: Uncertain significance for Bardet-Biedl syndrome. Last evaluated: 2022-01-17. Review status: criteria provided, single submitter. Criteria: Invitae Variant Classification Sherloc (09022015). Collection method: clinical testing. Allele origin: germline.
Comment: This sequence change replaces proline, which is neutral and non-polar, with serine, which is neutral and polar, at codon 509 of the BBS10 protein (p.Pro509Ser). This variant is present in population databases (no rsID available, gnomAD 0.007%). This variant has not been reported in the literature in individuals affected with BBS10-related conditions. Algorithms developed to predict the effect of missense changes on protein structure and function output the following: SIFT: "Tolerated"; PolyPhen-2: "Benign"; Align-GVGD: "Class C0". The serine amino acid residue is found in multiple mammalian species, which suggests that this missense change does not adversely affect protein function. In summary, the available evidence is currently insufficient to determine the role of this variant in disease. Therefore, it has been classified as a Variant of Uncertain Significance.

Ambry Genetics
Classification: Uncertain significance for Inborn genetic diseases. Last evaluated: 2021-01-11. Review status: criteria provided, single submitter. Criteria: Ambry Variant Classification Scheme 2023. Collection method: clinical testing. Allele origin: germline.
Comment: The c.1525C>T (p.P509S) alteration is located in exon 2 (coding exon 2) of the BBS10 gene. This alteration results from a C to T substitution at nucleotide position 1525, causing the proline (P) at amino acid position 509 to be replaced by a serine (S). The p.P509S alteration is predicted to be tolerated by in silico analysis. Based on insufficient or conflicting evidence, the clinical significance of this alteration remains unclear.

NM_024685.4(BBS10):c.1525C>T (p.Pro509Ser)

Gene: BBS10 (Bardet-Biedl syndrome 10; minus strand). Cytogenetic location: 12q21.2.
Variant type: single nucleotide variant.
Coding change: c.1525C>T on transcript NM_024685.4 (MANE Select); coding-DNA position 1525, C replaced by T.
Protein change: p.Pro509Ser; replaces proline 509 with serine.
Molecular consequence: missense variant.
Genome position (GRCh38, 1-based): chr12:76,346,460, G>A on the plus strand (C>T on the coding strand, the complement: BBS10 is on the minus strand). VCF-style: chr12-76346460-G-A. GRCh37 (hg19) VCF-style: chr12-76740240-G-A.
Other names: short protein forms P509S.
Identifiers: ClinVar variation 2102794 (VCV002102794.3), dbSNP rs1565809558, ClinGen allele CA385810983.